The following is an entry in ClinVar:

ClinVar aggregate classification (germline): Likely pathogenic (1 of 4 stars; one submission).

Conditions:
Giant axonal neuropathy 1 (GAN1). Also called: GIANT AXONAL NEUROPATHY 1, AUTOSOMAL RECESSIVE; GAN-Related Neurodegeneration. Identifiers: Orphanet 643, MedGen C1850386, MONDO:0009749, OMIM 256850.

Submission:

ARUP Laboratories, Molecular Genetics and Genomics, ARUP Laboratories
Classification: Likely pathogenic for Giant axonal neuropathy 1. Last evaluated: 2024-04-23. Review status: criteria provided, single submitter. Criteria: ARUP Molecular Germline Variant Investigation Process 2024. Collection method: clinical testing. Allele origin: germline.
Comment: The GAN c.611del; p.Ala204AspfsTer6 variant, to our knowledge, is not reported in the medical literature or gene-specific databases. This variant is also absent from the Genome Aggregation Database (v2.1.1), indicating it is not a common polymorphism. This variant causes a frameshift by deleting a single nucleotide, so it is predicted to result in a truncated protein or mRNA subject to nonsense-mediated decay. Additionally, multiple downstream truncating variants have been described in individuals with giant axonal neuropathy and are considered disease-causing (Bharucha-Goebel 2021). Based on available information, the c.611del variant is considered to be likely pathogenic. References: Bharucha-Goebel DX et al. Giant axonal neuropathy: cross-sectional analysis of a large natural history cohort. Brain. 2021 Nov 29;144(10):3239-3250. PMID: 34114613.

NM_022041.4(GAN):c.611del (p.Ala204fs)

Gene: GAN (gigaxonin; plus strand). Cytogenetic location: 16q23.2.
Variant type: Deletion.
Coding change: c.611del on transcript NM_022041.4 (MANE Select); coding-DNA position 611, one base deleted (C; older notation c.611delC).
Protein change: p.Ala204fs; shifts the reading frame from alanine 204.
Molecular consequence: frameshift variant. On other transcripts: 5 prime UTR variant (1).
Genome position (GRCh38, 1-based): chr16:81,354,733, C deleted. VCF-style (leftmost placement, unchanged base first): chr16-81354732-GC-G. GRCh37 (hg19) VCF-style: chr16-81388337-GC-G.
Other names: c.-29del (NM_001377486.1); short protein forms A204fs.
Identifiers: ClinVar variation 3766588 (VCV003766588.1).